The following is an entry in ClinVar:

ClinVar aggregate classification (germline): Uncertain significance (1 of 4 stars; one submission).

Conditions:
Emery-Dreifuss muscular dystrophy 4, autosomal dominant (EDMD4). Also called: EMERY-DREIFUSS MUSCULAR DYSTROPHY 4 WITH VARIABLE FEATURES. Identifiers: Orphanet 261, MedGen C2751807, MONDO:0013071, OMIM 612998.
Autosomal recessive ataxia, Beauce type. Also called: Spinocerebellar ataxia, autosomal recessive 8; ATAXIA, RECESSIVE, OF BEAUCE; SYNE1-Related Autosomal Recessive Cerebellar Ataxia; SYNE1 Deficiency. Identifiers: Orphanet 88644, MedGen C1853116, MONDO:0012549, OMIM 610743.

Allele frequency attached by ClinVar (database versions not stated): ExAC 0.00002; ESP Exome Variant Server 0.00008; gnomAD exomes below 0.00001 and 0.00001; gnomAD 0.00001; TOPMed 0.00001.
gnomAD v4.1: 2 of 1,614,096 alleles (0.00012%); highest among the groups gnomAD compares: Non-Finnish European, 0.00017%; no homozygotes.

Submission:

Labcorp Genetics (formerly Invitae), Labcorp
Classification: Uncertain significance for Emery-Dreifuss muscular dystrophy 4, autosomal dominant; Autosomal recessive ataxia, Beauce type. Last evaluated: 2022-04-11. Review status: criteria provided, single submitter. Criteria: Invitae Variant Classification Sherloc (09022015). Collection method: clinical testing. Allele origin: germline.
Comment: In summary, the available evidence is currently insufficient to determine the role of this variant in disease. Therefore, it has been classified as a Variant of Uncertain Significance. Algorithms developed to predict the effect of missense changes on protein structure and function are either unavailable or do not agree on the potential impact of this missense change (SIFT: "Deleterious"; PolyPhen-2: "Probably Damaging"; Align-GVGD: "Class C15"). ClinVar contains an entry for this variant (Variation ID: 652260). This variant has not been reported in the literature in individuals affected with SYNE1-related conditions. This variant is present in population databases (rs369515853, gnomAD 0.002%). This sequence change replaces aspartic acid, which is acidic and polar, with asparagine, which is neutral and polar, at codon 3972 of the SYNE1 protein (p.Asp3972Asn).

NM_182961.4(SYNE1):c.12127G>A (p.Asp4043Asn)

Gene: SYNE1 (spectrin repeat containing nuclear envelope protein 1; minus strand). Cytogenetic location: 6q25.2.
Variant type: single nucleotide variant.
Coding change: c.12127G>A on transcript NM_182961.4 (MANE Select); coding-DNA position 12127, G replaced by A.
Protein change: p.Asp4043Asn; replaces aspartic acid 4043 with asparagine.
Molecular consequence: missense variant.
Genome position (GRCh38, 1-based): chr6:152,344,179, C>T on the plus strand (G>A on the coding strand, the complement: SYNE1 is on the minus strand). VCF-style: chr6-152344179-C-T. GRCh37 (hg19) VCF-style: chr6-152665314-C-T.
Other names: c.11914G>A, p.Asp3972Asn (NM_033071.5); short protein forms D4043N, D3972N.
Identifiers: ClinVar variation 652260 (VCV000652260.5), dbSNP rs369515853, ClinGen allele CA4056499.